The following is an entry in ClinVar:

ClinVar aggregate classification (germline): Uncertain significance (1 of 4 stars; one submission).

Conditions:
Hereditary cancer-predisposing syndrome. Also called: Neoplastic Syndromes, Hereditary; Tumor predisposition; Hereditary Cancer Syndrome; Hereditary neoplastic syndrome. Identifiers: Orphanet 140162, MedGen C0027672, MeSH D009386, MONDO:0015356.

gnomAD v4.1: 2 of 1,614,118 alleles (0.00012%); highest among the groups gnomAD compares: Non-Finnish European, 0.00017%; no homozygotes.

Submission:

Ambry Genetics
Classification: Uncertain significance for Hereditary cancer-predisposing syndrome. Last evaluated: 2024-08-04. Review status: criteria provided, single submitter. Criteria: Ambry Variant Classification Scheme 2023. Collection method: clinical testing. Allele origin: germline.
Comment: The p.K349N variant (also known as c.1047G>T), located in coding exon 10 of the PRKAR1A gene, results from a G to T substitution at nucleotide position 1047. The lysine at codon 349 is replaced by asparagine, an amino acid with similar properties. This amino acid position is conserved. In addition, the in silico prediction for this alteration is inconclusive. Based on the available evidence, the clinical significance of this variant remains unclear.

NM_002734.5(PRKAR1A):c.1047G>T (p.Lys349Asn)

Gene: PRKAR1A (protein kinase cAMP-dependent type I regulatory subunit alpha; plus strand). Cytogenetic location: 17q24.2.
Variant type: single nucleotide variant.
Coding change: c.1047G>T on transcript NM_002734.5 (MANE Select); coding-DNA position 1047, G replaced by T.
Protein change: p.Lys349Asn; replaces lysine 349 with asparagine.
Molecular consequence: missense variant. On other transcripts: intron variant (1).
Genome position (GRCh38, 1-based): chr17:68,530,350, G>T. VCF-style: chr17-68530350-G-T. GRCh37 (hg19) VCF-style: chr17-66526491-G-T.
Other names: c.1047G>T, p.Lys349Asn (NM_001276289.2, NM_001278433.2, NM_001369389.1 and 3 more transcripts); c.973+349G>T (NM_001276290.1); short protein forms K349N.
Identifiers: ClinVar variation 3425061 (VCV003425061.1).